The following is an entry in ClinVar:

NM_022463.5(NXN):c.478+4A>G

Gene: NXN (nucleoredoxin; minus strand). Cytogenetic location: 17p13.3.
Variant type: single nucleotide variant.
Coding change: c.478+4A>G on transcript NM_022463.5 (MANE Select); 4 bases into the intron after coding-DNA position 478, A replaced by G.
Molecular consequence: intron variant.
Genome position (GRCh38, 1-based): chr17:825,957, T>C on the plus strand (A>G on the coding strand, the complement: NXN is on the minus strand). VCF-style: chr17-825957-T-C. GRCh37 (hg19) VCF-style: chr17-729197-T-C.
Other names: c.154+4A>G (NM_001205319.1); c.478+4A>G (NM_022463.4).
Identifiers: ClinVar variation 1180197 (VCV001180197.14), dbSNP rs77578715, ClinGen allele CA8264212.

ClinVar aggregate classification (germline): Benign. Review status: criteria provided, multiple submitters, no conflicts (2 of 4 stars). 4 submissions from 4 submitters: Benign (3). 1 of the submissions does not count toward it. Last evaluated 2026-01-27.

Conditions:
NXN-related disorder. Also called: NXN-related condition.

Allele frequency attached by ClinVar (database versions not stated): gnomAD exomes 0.00301 and 0.00813; ExAC 0.01032; gnomAD 0.02858 and 0.03027; ESP Exome Variant Server 0.03029; TOPMed 0.03174; 1000 Genomes Project 0.03175; 1000 Genomes Project 30x 0.03498.
gnomAD v4.1: 8,873 of 1,597,386 alleles (0.56%); highest among the groups gnomAD compares: African/African-American, 9.7%; 348 homozygotes.

Submissions (13):

Labcorp Genetics (formerly Invitae), Labcorp
Classification: Benign. Last evaluated: 2026-01-27. Review status: criteria provided, single submitter. Criteria: Invitae Variant Classification Sherloc (09022015). Collection method: clinical testing. Allele origin: germline.

GeneDx
Classification: Benign. Last evaluated: 2021-05-05. Review status: criteria provided, single submitter. Criteria: GeneDx Variant Classification Process June 2021. Collection method: clinical testing. Allele origin: germline. Affected: yes.

Breakthrough Genomics
Classification: Benign. Review status: criteria provided, single submitter. Criteria: ACMG Guidelines, 2015. Collection method: not provided. Allele origin: germline. Inheritance: Autosomal recessive inheritance. Affected: yes.

PreventionGenetics, part of Exact Sciences
Classification: Benign for NXN-related condition. Last evaluated: 2019-03-07. Review status: no assertion criteria provided. Collection method: clinical testing. Allele origin: germline. Not counted in ClinVar's aggregate classification.
Comment: This variant is classified as benign based on ACMG/AMP sequence variant interpretation guidelines (Richards et al. 2015 PMID: 25741868, with internal and published modifications).

Dr. Peter K. Rogan Lab, Western University
No classification provided (evidence only). Condition: Familial cancer of breast. Review status: no classification provided. Collection method: in vitro. Allele origin: not applicable. Functional consequence: retained intron. Not counted in ClinVar's aggregate classification.

Dr. Peter K. Rogan Lab, Western University
No classification provided (evidence only). Condition: Uterine corpus endometrial carcinoma. Review status: no classification provided. Collection method: in vitro. Allele origin: not applicable. Functional consequence: retained intron. Not counted in ClinVar's aggregate classification.

Dr. Peter K. Rogan Lab, Western University
No classification provided (evidence only). Condition: Uterine corpus endometrial carcinoma. Review status: no classification provided. Collection method: in vitro. Allele origin: not applicable. Functional consequence: retained intron. Not counted in ClinVar's aggregate classification.

Dr. Peter K. Rogan Lab, Western University
No classification provided (evidence only). Condition: Uterine corpus endometrial carcinoma. Review status: no classification provided. Collection method: in vitro. Allele origin: not applicable. Functional consequence: retained intron. Not counted in ClinVar's aggregate classification.

Dr. Peter K. Rogan Lab, Western University
No classification provided (evidence only). Condition: Cervical cancer. Review status: no classification provided. Collection method: in vitro. Allele origin: not applicable. Functional consequence: retained intron. Not counted in ClinVar's aggregate classification.

Dr. Peter K. Rogan Lab, Western University
No classification provided (evidence only). Condition: Sarcoma. Review status: no classification provided. Collection method: in vitro. Allele origin: not applicable. Functional consequence: retained intron. Not counted in ClinVar's aggregate classification.

Dr. Peter K. Rogan Lab, Western University
No classification provided (evidence only). Condition: Nonpapillary renal cell carcinoma. Review status: no classification provided. Collection method: in vitro. Allele origin: not applicable. Functional consequence: retained intron. Not counted in ClinVar's aggregate classification.

Dr. Peter K. Rogan Lab, Western University
No classification provided (evidence only). Condition: Ovarian serous cystadenocarcinoma. Review status: no classification provided. Collection method: in vitro. Allele origin: not applicable. Functional consequence: retained intron. Not counted in ClinVar's aggregate classification.

Dr. Peter K. Rogan Lab, Western University
No classification provided (evidence only). Condition: Gastric cancer. Review status: no classification provided. Collection method: in vitro. Allele origin: not applicable. Functional consequence: retained intron. Not counted in ClinVar's aggregate classification.